The following is an entry in ClinVar:

ClinVar aggregate classification (germline): Uncertain significance (1 of 4 stars; one submission).

Conditions:
Griscelli syndrome type 2 (GS2). Also called: GRISCELLI SYNDROME WITH HEMOPHAGOCYTIC SYNDROME; PAID SYNDROME; PARTIAL ALBINISM AND IMMUNODEFICIENCY SYNDROME. Identifiers: Orphanet 381, Orphanet 79477, MedGen C1868679, MONDO:0011872, OMIM 607624.

Allele frequency attached by ClinVar (database versions not stated): gnomAD exomes 0.00001 and 0.00004; ExAC 0.00004; gnomAD 0.00004 and 0.00005; TOPMed 0.00004; ESP Exome Variant Server 0.00015; 1000 Genomes Project 30x 0.00047; 1000 Genomes Project 0.00060.
gnomAD v4.1: 28 of 1,608,742 alleles (0.0017%); highest among the groups gnomAD compares: African/African-American, 0.031%; no homozygotes.

Submission:

Labcorp Genetics (formerly Invitae), Labcorp
Classification: Uncertain significance for Griscelli syndrome type 2. Last evaluated: 2021-08-13. Review status: criteria provided, single submitter. Criteria: Invitae Variant Classification Sherloc (09022015). Collection method: clinical testing. Allele origin: germline.
Comment: This sequence change replaces isoleucine with threonine at codon 128 of the RAB27A protein (p.Ile128Thr). The isoleucine residue is highly conserved and there is a moderate physicochemical difference between isoleucine and threonine. This variant is present in population databases (rs143719577, ExAC 0.05%). This variant has not been reported in the literature in individuals affected with RAB27A-related conditions. Algorithms developed to predict the effect of missense changes on protein structure and function (SIFT, PolyPhen-2, Align-GVGD) all suggest that this variant is likely to be disruptive. In summary, the available evidence is currently insufficient to determine the role of this variant in disease. Therefore, it has been classified as a Variant of Uncertain Significance.

NM_183235.3(RAB27A):c.383T>C (p.Ile128Thr)

Gene: RAB27A (RAB27A, member RAS oncogene family; minus strand). Cytogenetic location: 15q21.3.
Variant type: single nucleotide variant.
Coding change: c.383T>C on transcript NM_183235.3 (MANE Select); coding-DNA position 383, T replaced by C.
Protein change: p.Ile128Thr; replaces isoleucine 128 with threonine.
Molecular consequence: missense variant.
Genome position (GRCh38, 1-based): chr15:55,223,973, A>G on the plus strand (T>C on the coding strand, the complement: RAB27A is on the minus strand). VCF-style: chr15-55223973-A-G. GRCh37 (hg19) VCF-style: chr15-55516171-A-G.
Other names: c.383T>C, p.Ile128Thr (NM_004580.5, NM_183234.3, NM_183236.3); short protein forms I128T.
Identifiers: ClinVar variation 941674 (VCV000941674.7), dbSNP rs143719577, ClinGen allele CA7573585.